The following is an entry in ClinVar:

ClinVar aggregate classification (germline): Uncertain significance. Review status: criteria provided, multiple submitters, no conflicts (2 of 4 stars). 2 submissions from 2 submitters: Uncertain significance (2). Last evaluated 2026-06-02.

Conditions:
MAGEL2-related disorder. Also called: MAGEL2-related condition.

Submissions (2):

PreventionGenetics, part of Exact Sciences
Classification: Uncertain significance for MAGEL2-related condition. Last evaluated: 2026-06-02. Review status: criteria provided, single submitter. Criteria: ACMG Guidelines, 2015. Collection method: clinical testing. Allele origin: germline.
Comment: The MAGEL2 c.1306C>G variant is predicted to result in the amino acid substitution p.Leu436Val. To our knowledge, this variant has not been reported in the literature. This variant is reported in 0.037% of alleles in individuals of African descent in gnomAD. At this time, the clinical significance of this variant is uncertain due to the absence of conclusive functional and genetic evidence.

Labcorp Genetics (formerly Invitae), Labcorp
Classification: Uncertain significance. Last evaluated: 2025-03-19. Review status: criteria provided, single submitter. Criteria: Invitae Variant Classification Sherloc (09022015). Collection method: clinical testing. Allele origin: germline.
Comment: This sequence change replaces leucine, which is neutral and non-polar, with valine, which is neutral and non-polar, at codon 436 of the MAGEL2 protein (p.Leu436Val). This variant is not present in population databases (gnomAD no frequency). This variant has not been reported in the literature in individuals affected with MAGEL2-related conditions. An algorithm developed to predict the effect of missense changes on protein structure and function outputs the following: PolyPhen-2: "Not Available". The valine amino acid residue is found in multiple mammalian species, which suggests that this missense change does not adversely affect protein function. In summary, the available evidence is currently insufficient to determine the role of this variant in disease. Therefore, it has been classified as a Variant of Uncertain Significance.

NM_019066.5(MAGEL2):c.1306C>G (p.Leu436Val)

Gene: MAGEL2 (MAGE family member L2; minus strand). Cytogenetic location: 15q11.2.
Variant type: single nucleotide variant.
Coding change: c.1306C>G on transcript NM_019066.5 (MANE Select); coding-DNA position 1306, C replaced by G.
Protein change: p.Leu436Val; replaces leucine 436 with valine.
Molecular consequence: missense variant.
Genome position (GRCh38, 1-based): chr15:23,646,437, G>C on the plus strand (C>G on the coding strand, the complement: MAGEL2 is on the minus strand). VCF-style: chr15-23646437-G-C. GRCh37 (hg19) VCF-style: chr15-23891584-G-C.
Other names: c.1306C>G (NM_019066.4); short protein forms L436V.
Identifiers: ClinVar variation 4699899 (VCV004699899.2).